The following is an entry in ClinVar:

ClinVar aggregate classification (germline): Likely benign. Review status: criteria provided, multiple submitters, no conflicts (2 of 4 stars). 2 submissions from 2 submitters: Likely benign (2). Last evaluated 2024-03-09.

Conditions:
Brody myopathy. Also called: BRODY DISEASE. Identifiers: Orphanet 53347, MedGen C1832918, MONDO:0010977, OMIM 601003.

Allele frequency attached by ClinVar (database versions not stated): ExAC 0.00003; gnomAD exomes 0.00005 and 0.00007; gnomAD 0.00006; TOPMed 0.00008.
gnomAD v4.1: 83 of 1,613,940 alleles (0.0051%); highest among the groups gnomAD compares: Middle Eastern, 0.033%; no homozygotes.

Submissions (2):

Labcorp Genetics (formerly Invitae), Labcorp
Classification: Likely benign for Brody myopathy. Last evaluated: 2024-03-09. Review status: criteria provided, single submitter. Criteria: Invitae Variant Classification Sherloc (09022015). Collection method: clinical testing. Allele origin: germline.

CeGaT Center for Human Genetics Tuebingen
Classification: Likely benign. Last evaluated: 2022-05-01. Review status: criteria provided, single submitter. Criteria: CeGaT Center For Human Genetics Tuebingen Variant Classification Criteria Version 2. Collection method: clinical testing. Allele origin: germline. Affected: yes. Observed: 1 variant allele.
Comment: ATP2A1: BP4, BP7

NM_004320.6(ATP2A1):c.2121C>T (p.Asp707=)

Gene: ATP2A1 (ATPase sarcoplasmic/endoplasmic reticulum Ca2+ transporting 1; plus strand). Cytogenetic location: 16p11.2.
Variant type: single nucleotide variant.
Coding change: c.2121C>T on transcript NM_004320.6 (MANE Select); coding-DNA position 2121, C replaced by T.
Protein change: p.Asp707=; no amino-acid change (aspartic acid 707 retained).
Molecular consequence: synonymous variant.
Genome position (GRCh38, 1-based): chr16:28,901,883, C>T. VCF-style: chr16-28901883-C-T. GRCh37 (hg19) VCF-style: chr16-28913204-C-T.
Other names: c.1746C>T, p.Asp582= (NM_001286075.2); c.2121C>T, p.Asp707= (NM_173201.5).
Identifiers: ClinVar variation 464083 (VCV000464083.36), dbSNP rs767129999, ClinGen allele CA7987188.
Genomic context (GRCh38, chr16:28,901,883, plus strand): 5'-TGTGAAGGTGCCCTAAGCCCACCTTCTCCTCCTCCCTCAGACAGGTGATGGCGTCAATGA[C>T]GCCCCTGCCCTGAAGAAGGCTGAGATTGGCATTGCCATGGGATCTGGCACTGCCGTGGCC-3'
Protein context (NP_004311.1, residues 697-717): ITAMTGDGVN[Asp707=]APALKKAEIG